The following is an entry in ClinVar:

ClinVar aggregate classification (germline): Uncertain significance. Review status: criteria provided, multiple submitters, no conflicts (2 of 4 stars). 2 submissions from 2 submitters: Uncertain significance (2). Last evaluated 2023-06-29.

Conditions:
Inborn genetic diseases. Identifiers: MedGen C0950123, MeSH D030342.

Allele frequency attached by ClinVar (database versions not stated): ExAC 0.00001.
gnomAD v4.1: 5 of 1,610,556 alleles (0.00031%); highest among the groups gnomAD compares: Middle Eastern, 0.017%; no homozygotes.

Submissions (2):

Ambry Genetics
Classification: Uncertain significance for Inborn genetic diseases. Last evaluated: 2023-06-29. Review status: criteria provided, single submitter. Criteria: Ambry Variant Classification Scheme 2023. Collection method: clinical testing. Allele origin: germline.

Labcorp Genetics (formerly Invitae), Labcorp
Classification: Uncertain significance. Last evaluated: 2022-08-07. Review status: criteria provided, single submitter. Criteria: Invitae Variant Classification Sherloc (09022015). Collection method: clinical testing. Allele origin: germline.
Comment: This sequence change replaces proline, which is neutral and non-polar, with threonine, which is neutral and polar, at codon 681 of the SLC24A1 protein (p.Pro681Thr). The frequency data for this variant in the population databases is considered unreliable, as metrics indicate poor data quality at this position in the gnomAD database. This variant has not been reported in the literature in individuals affected with SLC24A1-related conditions. Algorithms developed to predict the effect of missense changes on protein structure and function output the following: SIFT: "Deleterious"; PolyPhen-2: "Benign"; Align-GVGD: "Class C0". The threonine amino acid residue is found in multiple mammalian species, which suggests that this missense change does not adversely affect protein function. In summary, the available evidence is currently insufficient to determine the role of this variant in disease. Therefore, it has been classified as a Variant of Uncertain Significance.

NM_004727.3(SLC24A1):c.2041C>A (p.Pro681Thr)

Gene: SLC24A1 (solute carrier family 24 member 1; plus strand). Cytogenetic location: 15q22.31.
Variant type: single nucleotide variant.
Coding change: c.2041C>A on transcript NM_004727.3 (MANE Select); coding-DNA position 2041, C replaced by A.
Protein change: p.Pro681Thr; replaces proline 681 with threonine.
Molecular consequence: missense variant.
Genome position (GRCh38, 1-based): chr15:65,639,691, C>A. VCF-style: chr15-65639691-C-A. GRCh37 (hg19) VCF-style: chr15-65932029-C-A.
Other names: c.2041C>A, p.Pro681Thr (NM_001301031.1); c.1987C>A, p.Pro663Thr (NM_001301032.1, NM_001301033.2); c.2041C>A (NM_004727.2); short protein forms P663T, P681T.
Identifiers: ClinVar variation 1953887 (VCV001953887.4), dbSNP rs747283516, ClinGen allele CA7620057.